The following is an entry in ClinVar:

NM_033026.6(PCLO):c.14296C>A (p.Pro4766Thr)

Gene: PCLO (piccolo presynaptic cytomatrix protein; minus strand). Cytogenetic location: 7q21.11.
Variant type: single nucleotide variant.
Coding change: c.14296C>A on transcript NM_033026.6 (MANE Select); coding-DNA position 14296, C replaced by A.
Protein change: p.Pro4766Thr; replaces proline 4766 with threonine.
Molecular consequence: missense variant.
Genome position (GRCh38, 1-based): chr7:82,827,920, G>T on the plus strand (C>A on the coding strand, the complement: PCLO is on the minus strand). VCF-style: chr7-82827920-G-T. GRCh37 (hg19) VCF-style: chr7-82457236-G-T.
Other names: c.14296C>A, p.Pro4766Thr (NM_014510.3); short protein forms P4766T.
Identifiers: ClinVar variation 1714742 (VCV001714742.5), dbSNP rs978828196, ClinGen allele CA161693800.

ClinVar aggregate classification (germline): Uncertain significance (1 of 4 stars; one submission).

Allele frequency attached by ClinVar (database versions not stated): TOPMed 0.00001.

Submission:

Labcorp Genetics (formerly Invitae), Labcorp
Classification: Uncertain significance. Last evaluated: 2022-08-01. Review status: criteria provided, single submitter. Criteria: Invitae Variant Classification Sherloc (09022015). Collection method: clinical testing. Allele origin: germline.
Comment: Algorithms developed to predict the effect of missense changes on protein structure and function are either unavailable or do not agree on the potential impact of this missense change (SIFT: "Deleterious"; PolyPhen-2: "Not Available"; Align-GVGD: "Class C0"). In summary, the available evidence is currently insufficient to determine the role of this variant in disease. Therefore, it has been classified as a Variant of Uncertain Significance. This variant has not been reported in the literature in individuals affected with PCLO-related conditions. This variant is not present in population databases (gnomAD no frequency). This sequence change replaces proline, which is neutral and non-polar, with threonine, which is neutral and polar, at codon 4766 of the PCLO protein (p.Pro4766Thr).